The following is an entry in ClinVar:

NM_012330.4(KAT6B):c.1366A>C (p.Ile456Leu)

Gene: KAT6B (lysine acetyltransferase 6B; plus strand). Cytogenetic location: 10q22.2.
Variant type: single nucleotide variant.
Coding change: c.1366A>C on transcript NM_012330.4 (MANE Select); coding-DNA position 1366, A replaced by C.
Protein change: p.Ile456Leu; replaces isoleucine 456 with leucine.
Molecular consequence: missense variant. On other transcripts: intron variant (11).
Genome position (GRCh38, 1-based): chr10:74,975,703, A>C. VCF-style: chr10-74975703-A-C. GRCh37 (hg19) VCF-style: chr10-76735461-A-C.
Other names: c.1366A>C, p.Ile456Leu (NM_001256468.2, NM_001370136.1, NM_001370137.1 and 1 more transcripts); c.1117+249A>C (NM_001370139.1, NM_001370140.1, NM_001370141.1 and 3 more transcripts); c.846+5928A>C (NM_001370133.1); c.193-3521A>C (NM_001370134.1); c.929-1613A>C (NM_001370143.1, NM_001370144.1); c.193-13316A>C (NM_001370135.1); c.1366A>C (NM_012330.2); short protein forms I456L.
Identifiers: ClinVar variation 836443 (VCV000836443.11), dbSNP rs763282624, ClinGen allele CA5564391.

ClinVar aggregate classification (germline): Uncertain significance. Review status: criteria provided, multiple submitters, no conflicts (2 of 4 stars). 2 submissions from 2 submitters: Uncertain significance (2). Last evaluated 2025-01-15.

Conditions:
Inborn genetic diseases. Identifiers: MedGen C0950123, MeSH D030342.
Genitopatellar syndrome (GTPTS). Also called: Genitopatellar syndrome (GPS); ABSENT PATELLAE, SCROTAL HYPOPLASIA, RENAL ANOMALIES, FACIAL DYSMORPHISM, AND MENTAL RETARDATION. Identifiers: Orphanet 85201, MedGen C1853566, MONDO:0011640, OMIM 606170.

Allele frequency attached by ClinVar (database versions not stated): gnomAD exomes below 0.00001; TOPMed below 0.00001; ExAC 0.00001.
gnomAD v4.1: 16 of 1,614,126 alleles (0.00099%); highest among the groups gnomAD compares: Non-Finnish European, 0.0014%; no homozygotes.

Submissions (2):

Ambry Genetics
Classification: Uncertain significance for Inborn genetic diseases. Last evaluated: 2025-01-15. Review status: criteria provided, single submitter. Criteria: Ambry Variant Classification Scheme 2023. Collection method: clinical testing. Allele origin: germline.

Labcorp Genetics (formerly Invitae), Labcorp
Classification: Uncertain significance for Genitopatellar syndrome. Last evaluated: 2019-12-11. Review status: criteria provided, single submitter. Criteria: Invitae Variant Classification Sherloc (09022015). Collection method: clinical testing. Allele origin: germline.
Comment: This sequence change replaces isoleucine with leucine at codon 456 of the KAT6B protein (p.Ile456Leu). The isoleucine residue is weakly conserved and there is a small physicochemical difference between isoleucine and leucine. This variant has not been reported in the literature in individuals with KAT6B-related conditions. This variant is present in population databases (rs763282624, ExAC 0.001%). Algorithms developed to predict the effect of missense changes on protein structure and function (SIFT, PolyPhen-2, Align-GVGD) all suggest that this variant is likely to be tolerated, but these predictions have not been confirmed by published functional studies and their clinical significance is uncertain. In summary, the available evidence is currently insufficient to determine the role of this variant in disease. Therefore, it has been classified as a Variant of Uncertain Significance.